The following is an entry in ClinVar:

NM_001197104.2(KMT2A):c.3979C>G (p.Pro1327Ala)

Gene: KMT2A (lysine methyltransferase 2A; plus strand). Cytogenetic location: 11q23.3.
Variant type: single nucleotide variant.
Coding change: c.3979C>G on transcript NM_001197104.2 (MANE Select); coding-DNA position 3979, C replaced by G.
Protein change: p.Pro1327Ala; replaces proline 1327 with alanine.
Molecular consequence: missense variant.
Genome position (GRCh38, 1-based): chr11:118,482,059, C>G. VCF-style: chr11-118482059-C-G. GRCh37 (hg19) VCF-style: chr11-118352774-C-G.
Other names: c.4078C>G, p.Pro1360Ala (NM_001412597.1); c.3979C>G, p.Pro1327Ala (NM_005933.4); short protein forms P1327A, P1360A.
Identifiers: ClinVar variation 4531046 (VCV004531046.2).

ClinVar aggregate classification (germline): Uncertain significance. Review status: criteria provided, multiple submitters, no conflicts (2 of 4 stars). 2 submissions from 2 submitters: Uncertain significance (2). Last evaluated 2025-11-27.

Submissions (2):

Labcorp Genetics (formerly Invitae), Labcorp
Classification: Uncertain significance. Last evaluated: 2025-11-27. Review status: criteria provided, single submitter. Criteria: Invitae Variant Classification Sherloc (09022015). Collection method: clinical testing. Allele origin: germline.
Comment: This sequence change replaces proline, which is neutral and non-polar, with alanine, which is neutral and non-polar, at codon 1327 of the KMT2A protein (p.Pro1327Ala). This variant is not present in population databases (gnomAD no frequency). This variant has not been reported in the literature in individuals affected with KMT2A-related conditions. Invitae Evidence Modeling of protein sequence and biophysical properties (such as structural, functional, and spatial information, amino acid conservation, physicochemical variation, residue mobility, and thermodynamic stability) has been performed for this missense variant. However, the output from this modeling did not meet the statistical confidence thresholds required to predict the impact of this variant on KMT2A protein function. In summary, the available evidence is currently insufficient to determine the role of this variant in disease. Therefore, it has been classified as a Variant of Uncertain Significance.

GeneDx
Classification: Uncertain significance. Last evaluated: 2025-05-21. Review status: criteria provided, single submitter. Criteria: GeneDx Variant Classification Process June 2021. Collection method: clinical testing. Allele origin: germline. Affected: yes.
Comment: Not observed at significant frequency in large population cohorts (gnomAD); In silico analysis supports that this missense variant has a deleterious effect on protein structure/function; Has not been previously published as pathogenic or benign to our knowledge